The following is an entry in ClinVar:

ClinVar aggregate classification (germline): Pathogenic/Likely pathogenic. Review status: criteria provided, multiple submitters, no conflicts (2 of 4 stars). 20 submissions from 20 submitters: Pathogenic (6); Likely pathogenic (11). 3 of the submissions do not count toward it. Last evaluated 2026-05-12.

Conditions:
MYBPC3-related disorder. Also called: MYBPC3-related disorders; MYBPC3-related condition; MYBPC3-related disease.
Cardiovascular phenotype. Identifiers: MedGen CN230736.
Left ventricular noncompaction 10 (LVNC10). Identifiers: Orphanet 154, Orphanet 54260, MedGen C3715165, MONDO:0014163, OMIM 615396.
Hypertrophic cardiomyopathy 4. Also called: Familial hypertrophic cardiomyopathy 4. Identifiers: MedGen C1861862, MONDO:0007268, OMIM 115197.
Cardiomyopathy (CMYO). Also called: Cardiomyopathies. Identifiers: Orphanet 167848, MedGen C0878544, MONDO:0004994, HP:0001638. Inheritance: Various modes of inheritance.
Hypertrophic cardiomyopathy. Also called: HYPERTROPHIC MYOCARDIOPATHY. Identifiers: Orphanet 217569, MedGen C0007194, MeSH D002312, MONDO:0005045, HP:0001639.

Allele frequency attached by ClinVar (database versions not stated): gnomAD below 0.00001 and 0.00001; ExAC 0.00004; gnomAD exomes 0.00003 and 0.00001.
gnomAD v4.1: 13 of 1,549,386 alleles (0.00084%); highest among the groups gnomAD compares: South Asian, 0.014%; no homozygotes.

Submissions 1 to 11 of 20:

Molecular Diagnostic Laboratory for Inherited Cardiovascular Disease, Montreal Heart Institute
Classification: Pathogenic for Cardiovascular phenotype. Last evaluated: 2026-05-12. Review status: criteria provided, single submitter. Criteria: ACMG Guidelines, 2015. Collection method: clinical testing. Allele origin: germline. Affected: yes.

Labcorp Genetics (formerly Invitae), Labcorp
Classification: Likely pathogenic for Hypertrophic cardiomyopathy. Last evaluated: 2026-01-18. Review status: criteria provided, single submitter. Criteria: Invitae Variant Classification Sherloc (09022015). Collection method: clinical testing. Allele origin: germline.
Comment: This sequence change falls in intron 13 of the MYBPC3 gene. It does not directly change the encoded amino acid sequence of the MYBPC3 protein. RNA analysis indicates that this variant induces altered splicing and may result in an absent or altered protein product. This variant is present in population databases (rs587776699, gnomAD 0.02%). This variant has been observed in individuals with hypertrophic cardiomyopathy (PMID: 18258667, 18337725, 30645170, 33673806, 34400558). ClinVar contains an entry for this variant (Variation ID: 138326). Studies have shown that this variant results in extension of the transcript by 17 nucleotides, and produces a non-functional protein and/or introduces a premature termination codon (PMID: 18337725). In summary, the currently available evidence indicates that the variant is pathogenic, but additional data are needed to prove that conclusively. Therefore, this variant has been classified as Likely Pathogenic.

Ambry Genetics
Classification: Likely pathogenic for Cardiovascular phenotype. Last evaluated: 2025-12-09. Review status: criteria provided, single submitter. Criteria: Ambry Variant Classification Scheme 2023. Collection method: clinical testing. Allele origin: germline.
Comment: The c.1224-19G>A intronic variant results from a G to A substitution 19 nucleotides upstream from coding exon 14 in the MYBPC3 gene. This variant was reported in individual(s) with features consistent with hypertrophic cardiomyopathy (HCM) (Frank-Hansen R et al. Eur. J. Hum. Genet., 2008 Sep;16:1062-9; Waldm&uuml;ller S et al. Clin Chem, 2008 Apr;54:682-7; Mendes de Almeida R et al. PLoS One, 2017 Aug;12:e0182946; Singer ES et al. Circ Genom Precis Med, 2019 Jan;12:e002368; Field E et al. J Med Genet, 2022 Aug;59:768-775; Ambry internal data). This nucleotide position is highly conserved in available vertebrate species. In silico splice site analysis predicts that this alteration will result in the creation or strengthening of a novel splice acceptor site. Based on the majority of available evidence to date, this variant is likely to be pathogenic.

Genesolutions, Medical Genetics Institutes, Ho Chi Minh City, Vietnam
Classification: Pathogenic for Left ventricular noncompaction 10. Last evaluated: 2025-09-24. Review status: criteria provided, single submitter. Criteria: ACMG Guidelines, 2015. Collection method: clinical testing. Allele origin: germline. Affected: yes.

Color Diagnostics, LLC DBA Color Health
Classification: Likely pathogenic for Cardiomyopathy. Last evaluated: 2025-07-01. Review status: criteria provided, single submitter. Criteria: ACMG Guidelines, 2015. Collection method: clinical testing. Allele origin: germline.
Comment: This variant causes a G to A nucleotide substitution at the -19 position of intron 13 of the MYBPC3 gene. A functional mRNA study has shown that this variant introduces a novel splice site at -17 position, extending the transcript by 17 nucleotides creating a frameshift and premature translation stop signal and expected to result in an absent or non-functional protein product (PMID: 18337725). This variant has been reported in more than ten individuals affected with hypertrophic cardiomyopathy (PMID: 18258667, 18337725, 28797094, 30645170, 35508642) and in an individual suspected to be affected with hypertrophic cardiomyopathy (PMID: 33673806). This variant has been identified in 5/195212 chromosomes in the general population by the Genome Aggregation Database (gnomAD). Loss of MYBPC3 function is a known mechanism of disease. Based on the available evidence, this variant is classified as Likely Pathogenic.

Victorian Clinical Genetics Services, Murdoch Childrens Research Institute
Classification: Pathogenic for Hypertrophic cardiomyopathy 4. Last evaluated: 2025-04-29. Review status: criteria provided, single submitter. Criteria: ACMG Guidelines, 2015. Collection method: clinical testing. Allele origin: germline. Affected: yes.
Comment: This variant is classified as Pathogenic. Evidence in support of pathogenic classification: Splice site variant proven to affect splicing of the transcript with a known effect on protein sequence. This variant has been demonstrated to result a 17nt extension of the 5' end of exon 14, which creates a premature termination codon and causes a frameshift (PMID: 18337725); Variant is present in gnomAD <0.01 (v4: 13 heterozygote(s), 0 homozygote(s)); This variant has strong previous evidence of pathogenicity in unrelated individuals. This variant has been reported in multiple individuals with hypertrophic cardiomyopathy (ClinVar, PMID: 18258667, 18337725, 27841901, 28797094, 30645170, 33673806); Other NMD-predicted variants comparable to the one identified in this case have very strong previous evidence for pathogenicity (ClinVar). Additional information: This variant is heterozygous; This gene is associated with both recessive and dominant disease. Dominant inheritance is frequently reported in adult onset conditions; however, recessive inheritance results in a more severe early onset phenotype (OMIM); Loss of function is a known mechanism of disease in this gene and is associated with hypertrophic cardiomyopathy 4 (MIM#115197); Variants in this gene are known to have variable expressivity (PMID: 32841044); Inheritance information for this variant is not currently available in this individual.

Blueprint Genetics
Classification: Likely pathogenic for MYBPC3-related disorders. Last evaluated: 2024-11-27. Review status: criteria provided, single submitter. Criteria: ACMG Guidelines, 2015. Collection method: clinical testing. Allele origin: germline. Affected: yes. Observed: 5 variant alleles.

Molecular Genetics, Royal Melbourne Hospital
Classification: Likely pathogenic for Hypertrophic cardiomyopathy. Last evaluated: 2024-09-08. Review status: criteria provided, single submitter. Criteria: ACMG Guidelines, 2015. Collection method: clinical testing. Allele origin: germline. Inheritance: Autosomal dominant inheritance. Affected: yes.
Comment: This sequence change in MYBPC3 is an intronic variant located in intron 13. It is predicted (SpliceAI) and observed to create a de novo acceptor site extending exon 14 by 17 bp in an RNA assay that has not been quantified, resulting in a frameshift, likely leading to nonsense-mediated decay in a gene in which loss-of-function is an established disease mechanism (PMID: 18337725). The highest population minor allele frequency in the population database gnomAD v4.1 is 0.01% (12/82,810 alleles) in the South Asian population. The prevalence of the variant in individuals with hypertrophic cardiomyopathy (HCM) is significantly increased compared with the prevalence in the population (19 in 11,237 case genotypes vs 12 in 41,405 control genotypes; odds ratio 5.84, 95%CI=2.84-12.04; PMID: 18337725, 35508642, 33673806; gnomAD v4.1). Based on the classification scheme RMH Modified ACMG/AMP Guidelines v1.7.0, this variant is classified as LIKELY PATHOGENIC. Following criteria are met: PVS1_Strong, PS4_Moderate.

Fulgent Genetics
Classification: Likely pathogenic for Hypertrophic cardiomyopathy 4; Left ventricular noncompaction 10. Last evaluated: 2024-05-02. Review status: criteria provided, single submitter. Criteria: ACMG Guidelines, 2015. Collection method: clinical testing. Allele origin: germline.

3billion
Classification: Pathogenic for Hypertrophic cardiomyopathy 4. Last evaluated: 2023-08-11. Review status: criteria provided, single submitter. Criteria: ACMG Guidelines, 2015. Collection method: clinical testing. Allele origin: germline. Affected: yes.
Comment: The variant is observed at an extremely low frequency in the gnomAD v2.1.1 dataset (total allele frequency: 0.003%). Predicted Consequence/Location: Intron variant: previously reported to alter splicing and result in a loss of normal protein fucnction through nonsense-mediated decay (NMD) or protein truncation (PMID: 18337725). In silico tool predicts the variant to alter splicing and produce an abnormal transcript [Splice AI: 0.81 (>=0.2 moderate evidence for spliceogenicity)]. Intron variant: previously reported to alter splicing and result in a loss of normal protein fucnction through nonsense-mediated decay (NMD) or protein truncation (PMID: 18337725). Therefore, this variant is classified as Pathogenic according to the recommendation of ACMG/AMP guideline.

CHEO Genetics Diagnostic Laboratory, Children's Hospital of Eastern Ontario
Classification: Likely pathogenic for Cardiomyopathy. Last evaluated: 2023-06-06. Review status: criteria provided, single submitter. Criteria: ACMG Guidelines, 2015. Collection method: clinical testing. Allele origin: germline.

NM_000256.3(MYBPC3):c.1224-19G>A

Gene: MYBPC3 (myosin binding protein C3; minus strand). Cytogenetic location: 11p11.2.
Variant type: single nucleotide variant.
Coding change: c.1224-19G>A on transcript NM_000256.3 (MANE Select); 19 bases into the intron before coding-DNA position 1224, G replaced by A.
Molecular consequence: intron variant.
Genome position (GRCh38, 1-based): chr11:47,343,281, C>T on the plus strand (G>A on the coding strand, the complement: MYBPC3 is on the minus strand). VCF-style: chr11-47343281-C-T. GRCh37 (hg19) VCF-style: chr11-47364832-C-T.
Other names: IVS13AS, G-A, -19.
Identifiers: ClinVar variation 138326 (VCV000138326.61), dbSNP rs587776699, ClinGen allele CA009912.